The following is an entry in ClinVar:

NM_020365.5(EIF2B3):c.224T>C (p.Ile75Thr)

Gene: EIF2B3 (eukaryotic translation initiation factor 2B subunit gamma; minus strand). Cytogenetic location: 1p34.1.
Variant type: single nucleotide variant.
Coding change: c.224T>C on transcript NM_020365.5 (MANE Select); coding-DNA position 224, T replaced by C.
Protein change: p.Ile75Thr; replaces isoleucine 75 with threonine.
Molecular consequence: missense variant.
Genome position (GRCh38, 1-based): chr1:44,978,385, A>G on the plus strand (T>C on the coding strand, the complement: EIF2B3 is on the minus strand). VCF-style: chr1-44978385-A-G. GRCh37 (hg19) VCF-style: chr1-45444057-A-G.
Other names: c.224T>C, p.Ile75Thr (NM_001166588.3, NM_001261418.2); short protein forms I75T.
Identifiers: ClinVar variation 500850 (VCV000500850.20), dbSNP rs144054571, ClinGen allele CA824077.

ClinVar aggregate classification (germline): Likely benign. Review status: criteria provided, multiple submitters, no conflicts (2 of 4 stars). 5 submissions from 5 submitters: Likely benign (4). 1 of the submissions does not count toward it. Last evaluated 2026-01-31.

Conditions:
EIF2B3-related disorder. Also called: EIF2B3-related condition.
Vanishing white matter disease. Also called: Childhood ataxia with diffuse central nervous system hypomyelination; Leukoencephalopathy with vanishing white matter; CACH/VWM syndrome; Cree leukoencehalopathy; CACH syndrome. Identifiers: Orphanet 135, Orphanet 99853, MedGen C1858991, MONDO:0800448.

Allele frequency attached by ClinVar (database versions not stated): gnomAD exomes 0.00009 and 0.00028; ExAC 0.00037; ESP Exome Variant Server 0.00108; gnomAD 0.00114 and 0.00123; TOPMed 0.00125; 1000 Genomes Project 0.00140; 1000 Genomes Project 30x 0.00141.
gnomAD v4.1: 326 of 1,614,042 alleles (0.02%); highest among the groups gnomAD compares: African/African-American, 0.33%; 3 homozygotes.

Submissions (5):

Labcorp Genetics (formerly Invitae), Labcorp
Classification: Likely benign. Last evaluated: 2026-01-31. Review status: criteria provided, single submitter. Criteria: Invitae Variant Classification Sherloc (09022015). Collection method: clinical testing. Allele origin: germline.

Illumina Laboratory Services, Illumina
Classification: Likely benign for Leukoencephalopathy with vanishing white matter 1. Last evaluated: 2018-01-13. Review status: criteria provided, single submitter. Criteria: ICSL Variant Classification Criteria 13 December 2019. Collection method: clinical testing. Allele origin: germline.
Comment: This variant was observed in the ICSL laboratory as part of a predisposition screen in an ostensibly healthy population. It had not been previously curated by ICSL or reported in the Human Gene Mutation Database (HGMD: prior to June 1st, 2018), and was therefore a candidate for classification through an automated scoring system. Utilizing variant allele frequency, disease prevalence and penetrance estimates, and inheritance mode, an automated score was calculated to assess if this variant is too frequent to cause the disease. Based on the score and internal cut-off values, a variant classified as likely benign is not then subjected to further curation. The score for this variant resulted in a classification of likely benign for this disease.

Eurofins Ntd Llc (ga)
Classification: Likely benign. Last evaluated: 2017-04-11. Review status: criteria provided, single submitter. Criteria: EGL Classification Definitions 2015. Collection method: clinical testing. Allele origin: germline. Observed: 1 variant allele, 1 heterozygote.

Breakthrough Genomics
Classification: Likely benign. Review status: criteria provided, single submitter. Criteria: ACMG Guidelines, 2015. Collection method: not provided. Allele origin: germline. Inheritance: Autosomal recessive inheritance. Affected: yes.

PreventionGenetics, part of Exact Sciences
Classification: Likely benign for EIF2B3-related condition. Last evaluated: 2024-01-18. Review status: no assertion criteria provided. Collection method: clinical testing. Allele origin: germline. Not counted in ClinVar's aggregate classification.
Comment: This variant is classified as likely benign based on ACMG/AMP sequence variant interpretation guidelines (Richards et al. 2015 PMID: 25741868, with internal and published modifications).